The following is an entry in ClinVar:

ClinVar aggregate classification (germline): Uncertain significance (1 of 4 stars; one submission).

Conditions:
Autosomal recessive severe congenital neutropenia due to CSF3R deficiency. Also called: Neutropenia, severe congenital, 7, autosomal recessive. Identifiers: Orphanet 420702, MedGen C4310764, MONDO:0014865, OMIM 617014.

Submission:

Labcorp Genetics (formerly Invitae), Labcorp
Classification: Uncertain significance for Autosomal recessive severe congenital neutropenia due to CSF3R deficiency. Last evaluated: 2023-07-10. Review status: criteria provided, single submitter. Criteria: Invitae Variant Classification Sherloc (09022015). Collection method: clinical testing. Allele origin: germline.
Comment: In summary, the available evidence is currently insufficient to determine the role of this variant in disease. Therefore, it has been classified as a Variant of Uncertain Significance. Variants that disrupt the consensus splice site are a relatively common cause of aberrant splicing (PMID: 17576681, 9536098). Algorithms developed to predict the effect of sequence changes on RNA splicing suggest that this variant may disrupt the consensus splice site. An algorithm developed to predict the effect of missense changes on protein structure and function (PolyPhen-2) suggests that this variant is likely to be disruptive. ClinVar contains an entry for this variant (Variation ID: 863530). This variant has not been reported in the literature in individuals affected with CSF3R-related conditions. This variant is not present in population databases (gnomAD no frequency). This sequence change replaces glycine, which is neutral and non-polar, with serine, which is neutral and polar, at codon 429 of the CSF3R protein (p.Gly429Ser). This variant also falls at the last nucleotide of exon 10, which is part of the consensus splice site for this exon.

Literature cited by the submitters: PubMed 17576681; PubMed 9536098.

NM_000760.4(CSF3R):c.1285G>A (p.Gly429Ser)

Gene: CSF3R (colony stimulating factor 3 receptor; minus strand). Cytogenetic location: 1p34.3.
Variant type: single nucleotide variant.
Coding change: c.1285G>A on transcript NM_000760.4 (MANE Select); coding-DNA position 1285, G replaced by A.
Protein change: p.Gly429Ser; replaces glycine 429 with serine.
Molecular consequence: missense variant.
Genome position (GRCh38, 1-based): chr1:36,471,433, C>T on the plus strand (G>A on the coding strand, the complement: CSF3R is on the minus strand). VCF-style: chr1-36471433-C-T. GRCh37 (hg19) VCF-style: chr1-36937034-C-T.
Other names: c.1285G>A, p.Gly429Ser (NM_156039.3, NM_172313.3); short protein forms G429S.
Identifiers: ClinVar variation 863530 (VCV000863530.9), dbSNP rs1650719908, ClinGen allele CA339421528.